The following is an entry in ClinVar:

ClinVar aggregate classification (germline): Conflicting classifications of pathogenicity. Review status: criteria provided, conflicting classifications (1 of 4 stars). 3 submissions from 3 submitters: Uncertain significance (2); Likely benign (1). Last evaluated 2025-12-15.

Conditions:
Cardiovascular phenotype. Identifiers: MedGen CN230736.
Long QT syndrome (LQTS). Identifiers: MedGen C0023976, MeSH D008133, MONDO:0002442. Disease mechanism: loss of function. Inheritance: Various modes of inheritance.
CACNA1C-related disorder. Also called: CACNA1C-related condition; CACNA1C-related disorders. Identifiers: MedGen CN381092, MONDO:0700321.

Allele frequency attached by ClinVar (database versions not stated): ExAC 0.00008; TOPMed 0.00001; gnomAD exomes 0.00001.
gnomAD v4.1: 9 of 1,577,976 alleles (0.00057%); highest among the groups gnomAD compares: East Asian, 0.0023%; no homozygotes.

Submissions (3):

Ambry Genetics
Classification: Likely benign for Cardiovascular phenotype. Last evaluated: 2025-12-15. Review status: criteria provided, single submitter. Criteria: Ambry Variant Classification Scheme 2023. Collection method: clinical testing. Allele origin: germline.

PreventionGenetics, part of Exact Sciences
Classification: Uncertain significance for CACNA1C-related condition. Last evaluated: 2025-04-05. Review status: criteria provided, single submitter. Criteria: ACMG Guidelines, 2015. Collection method: clinical testing. Allele origin: germline.
Comment: The CACNA1C c.5110G>A variant is predicted to result in the amino acid substitution p.Gly1704Ser. To our knowledge, this variant has not been reported in the literature. This variant is reported in 0.0021% of alleles in individuals of European (Non-Finnish) descent in gnomAD. At this time, the clinical significance of this variant is uncertain due to the absence of conclusive functional and genetic evidence.

Labcorp Genetics (formerly Invitae), Labcorp
Classification: Uncertain significance for Long QT syndrome. Last evaluated: 2024-12-19. Review status: criteria provided, single submitter. Criteria: Invitae Variant Classification Sherloc (09022015). Collection method: clinical testing. Allele origin: germline.
Comment: This sequence change replaces glycine, which is neutral and non-polar, with serine, which is neutral and polar, at codon 1704 of the CACNA1C protein (p.Gly1704Ser). The frequency data for this variant in the population databases is considered unreliable, as metrics indicate poor data quality at this position in the gnomAD database. This variant has not been reported in the literature in individuals affected with CACNA1C-related conditions. ClinVar contains an entry for this variant (Variation ID: 526962). Invitae Evidence Modeling of protein sequence and biophysical properties (such as structural, functional, and spatial information, amino acid conservation, physicochemical variation, residue mobility, and thermodynamic stability) has been performed for this missense variant. However, the output from this modeling did not meet the statistical confidence thresholds required to predict the impact of this variant on CACNA1C protein function. In summary, the available evidence is currently insufficient to determine the role of this variant in disease. Therefore, it has been classified as a Variant of Uncertain Significance.

NM_000719.7(CACNA1C):c.5110G>A (p.Gly1704Ser)

Genes: CACNA1C (calcium voltage-gated channel subunit alpha1 C; plus strand), CACNA1C-AS1 (CACNA1C antisense RNA 1; minus strand). Cytogenetic location: 12p13.33.
Variant type: single nucleotide variant.
Coding change: c.5110G>A on transcript NM_000719.7 (MANE Select); coding-DNA position 5110, G replaced by A.
Protein change: p.Gly1704Ser; replaces glycine 1704 with serine.
Molecular consequence: missense variant.
Genome position (GRCh38, 1-based): chr12:2,679,462, G>A. VCF-style: chr12-2679462-G-A. GRCh37 (hg19) VCF-style: chr12-2788628-G-A.
Other names: c.5254G>A, p.Gly1752Ser (NM_001129827.2, NM_199460.4); c.5128G>A, p.Gly1710Ser (NM_001129839.2); c.5110G>A, p.Gly1704Ser (NM_001129840.2, NM_001129841.2, NM_001129842.2 and 4 more transcripts); c.5101G>A, p.Gly1701Ser (NM_001129844.2); c.5077G>A, p.Gly1693Ser (NM_001129846.2, NM_001167625.2); c.5233G>A, p.Gly1745Ser (NM_001129829.2); c.5194G>A, p.Gly1732Ser (NM_001129831.2); c.5170G>A, p.Gly1724Ser (NM_001129832.2); and 3 more; short protein forms G1704S, G1752S, G1693S, G1732S, G1710S, G1721S, G1712S, G1724S.
Identifiers: ClinVar variation 526962 (VCV000526962.9), dbSNP rs758268349, ClinGen allele CA6389711.
Genomic context (GRCh38, chr12:2,679,462, plus strand): 5'-TGCTAAGGGGCTTCTCCACCCACCCCTCCTTCTTGCCTACAGAGGGCCGGTGGCCTGTTC[G>A]GCAACCACGTCAGCTACTACCAAAGCGACGGCCGGAGCGCCTTCCCCCAGACCTTCACCA-3'
Protein context (NP_000710.5, residues 1694-1714): DIFRRAGGLF[Gly1704Ser]NHVSYYQSDG